The following is an entry in ClinVar:

NM_001170629.2(CHD8):c.2312A>G (p.Lys771Arg)

Gene: CHD8 (chromodomain helicase DNA binding protein 8; minus strand). Cytogenetic location: 14q11.2.
Variant type: single nucleotide variant.
Coding change: c.2312A>G on transcript NM_001170629.2 (MANE Select); coding-DNA position 2312, A replaced by G.
Protein change: p.Lys771Arg; replaces lysine 771 with arginine.
Molecular consequence: missense variant.
Genome position (GRCh38, 1-based): chr14:21,409,903, T>C on the plus strand (A>G on the coding strand, the complement: CHD8 is on the minus strand). VCF-style: chr14-21409903-T-C. GRCh37 (hg19) VCF-style: chr14-21878062-T-C.
Other names: c.1475A>G, p.Lys492Arg (NM_020920.4); short protein forms K492R, K771R.
Identifiers: ClinVar variation 3662530 (VCV003662530.2).

ClinVar aggregate classification (germline): Uncertain significance (1 of 4 stars; one submission).

Submission:

Labcorp Genetics (formerly Invitae), Labcorp
Classification: Uncertain significance. Last evaluated: 2024-08-15. Review status: criteria provided, single submitter. Criteria: Invitae Variant Classification Sherloc (09022015). Collection method: clinical testing. Allele origin: germline.
Comment: This sequence change replaces lysine, which is basic and polar, with arginine, which is basic and polar, at codon 771 of the CHD8 protein (p.Lys771Arg). This variant is not present in population databases (gnomAD no frequency). This variant has not been reported in the literature in individuals affected with CHD8-related conditions. Invitae Evidence Modeling of protein sequence and biophysical properties (such as structural, functional, and spatial information, amino acid conservation, physicochemical variation, residue mobility, and thermodynamic stability) indicates that this missense variant is not expected to disrupt CHD8 protein function with a negative predictive value of 80%. In summary, the available evidence is currently insufficient to determine the role of this variant in disease. Therefore, it has been classified as a Variant of Uncertain Significance.